The following is an entry in ClinVar:

ClinVar aggregate classification (germline): Benign/Likely benign. Review status: criteria provided, multiple submitters, no conflicts (2 of 4 stars). 9 submissions from 9 submitters: Benign (2); Likely benign (7). Last evaluated 2026-02-01.

Conditions:
Hereditary cancer-predisposing syndrome. Also called: Hereditary neoplastic syndrome; Tumor predisposition; Neoplastic Syndromes, Hereditary; Hereditary Cancer Syndrome. Identifiers: Orphanet 140162, MedGen C0027672, MeSH D009386, MONDO:0015356.
Tuberous sclerosis syndrome (TSC). Also called: Tuberous sclerosis; Tuberous Sclerosis Complex. Identifiers: Orphanet 805, MedGen C0041341, MONDO:0001734.
Tuberous sclerosis 2 (TSC2). Identifiers: Orphanet 805, MedGen C1860707, MONDO:0013199, OMIM 613254.

Allele frequency attached by ClinVar (database versions not stated): gnomAD exomes 0.00002 and 0.00009; TOPMed 0.00017; gnomAD 0.00018 and 0.00019; ExAC 0.00019; 1000 Genomes Project 30x 0.00031; 1000 Genomes Project 0.00040; ESP Exome Variant Server 0.00046.
gnomAD v4.1: 60 of 1,587,022 alleles (0.0038%); highest among the groups gnomAD compares: African/African-American, 0.059%; no homozygotes.

Submissions (9):

Labcorp Genetics (formerly Invitae), Labcorp
Classification: Benign for Tuberous sclerosis 2. Last evaluated: 2026-02-01. Review status: criteria provided, single submitter. Criteria: Invitae Variant Classification Sherloc (09022015). Collection method: clinical testing. Allele origin: germline.

Myriad Genetics, Inc.
Classification: Likely benign for Tuberous sclerosis 2. Last evaluated: 2025-06-02. Review status: criteria provided, single submitter. Criteria: Myriad Autosomal Dominant, Autosomal Recessive and X-Linked Classification Criteria (2023). Collection method: clinical testing. Allele origin: unknown.
Comment: This variant is considered likely benign. This variant has been observed at a population frequency that is significantly greater than expected given the associated disease prevalence and penetrance.

All of Us Research Program, National Institutes of Health
Classification: Likely benign for Tuberous sclerosis syndrome. Last evaluated: 2024-08-06. Review status: criteria provided, single submitter. Criteria: ACMG Guidelines, 2015. Collection method: clinical testing. Allele origin: germline. Inheritance: Autosomal dominant inheritance. Observed: 20 variant alleles, 20 heterozygotes.
Comment: This study involves interpretation of variants in research participants for the purpose of population health screening. Participant phenotype was not available at the time of variant classification. Additional details can be found in publication PMID: 35346344, PMCID: PMC8962531

ARUP Laboratories, Molecular Genetics and Genomics, ARUP Laboratories
Classification: Likely benign. Last evaluated: 2024-06-28. Review status: criteria provided, single submitter. Criteria: ARUP Molecular Germline Variant Investigation Process 2024. Collection method: clinical testing. Allele origin: germline.

Color Diagnostics, LLC DBA Color Health
Classification: Likely benign for Tuberous sclerosis syndrome. Last evaluated: 2022-10-04. Review status: criteria provided, single submitter. Criteria: ACMG Guidelines, 2015. Collection method: clinical testing. Allele origin: germline.

Genome-Nilou Lab
Classification: Benign for Tuberous sclerosis 2. Last evaluated: 2021-11-07. Review status: criteria provided, single submitter. Criteria: ACMG Guidelines, 2015. Collection method: clinical testing. Allele origin: germline. Affected: no.

Sema4
Classification: Likely benign for Hereditary cancer-predisposing syndrome. Last evaluated: 2021-01-13. Review status: criteria provided, single submitter. Criteria: Sema4 Curation Guidelines. Collection method: curation. Allele origin: germline.

GeneDx
Classification: Likely benign. Last evaluated: 2020-01-27. Review status: criteria provided, single submitter. Criteria: GeneDx Variant Classification Process June 2021. Collection method: clinical testing. Allele origin: germline. Affected: yes.

Ambry Genetics
Classification: Likely benign for Hereditary cancer-predisposing syndrome. Last evaluated: 2018-06-18. Review status: criteria provided, single submitter. Criteria: Ambry Variant Classification Scheme 2023. Collection method: clinical testing. Allele origin: germline.

NM_000548.5(TSC2):c.3892G>A (p.Val1298Met)

Gene: TSC2 (TSC complex subunit 2; plus strand). Cytogenetic location: 16p13.3.
Variant type: single nucleotide variant.
Coding change: c.3892G>A on transcript NM_000548.5 (MANE Select); coding-DNA position 3892, G replaced by A.
Protein change: p.Val1298Met; replaces valine 1298 with methionine.
Molecular consequence: missense variant.
Genome position (GRCh38, 1-based): chr16:2,083,703, G>A. VCF-style: chr16-2083703-G-A. GRCh37 (hg19) VCF-style: chr16-2133704-G-A.
Other names: c.3691G>A, p.Val1231Met (NM_001077183.3); c.3823G>A, p.Val1275Met (NM_001114382.3); c.3583G>A, p.Val1195Met (NM_001318827.2); c.3547G>A, p.Val1183Met (NM_001318829.2); c.3160G>A, p.Val1054Met (NM_001318831.2); c.3724G>A, p.Val1242Met (NM_001318832.2); c.3694G>A, p.Val1232Met (NM_001363528.2); c.3760G>A, p.Val1254Met (NM_001370404.1); and 1 more; short protein forms V1298M, V1195M, V1275M, V1054M, V1231M, V1242M, V1183M, V1232M.
Identifiers: ClinVar variation 380462 (VCV000380462.28), dbSNP rs147284943, ClinGen allele CA049517.
Genomic context (GRCh38, chr16:2,083,703, plus strand): 5'-GCCAGGGCCTGGCCCAGCCCCACATCCAGCAGCCCCGTCTGTGTCCTCCCAGACTCCGCC[G>A]TGGTCATGGAGGAGGGAAGTCCGGGCGAGGTTCCTGTGCTGGTGGAGCCCCCAGGGTTGG-3'
Protein context (NP_000539.2, residues 1288-1308): HRSVSWADSA[Val1298Met]VMEEGSPGEV